The following is an entry in ClinVar:

NM_001205019.2(GK):c.898G>A (p.Val300Ile)

Genes: GK (glycerol kinase; plus strand), GK-AS1 (GK antisense RNA 1; minus strand). Cytogenetic location: Xp21.2.
Variant type: single nucleotide variant.
Coding change: c.898G>A on transcript NM_001205019.2 (MANE Select); coding-DNA position 898, G replaced by A.
Protein change: p.Val300Ile; replaces valine 300 with isoleucine.
Molecular consequence: missense variant. On other transcripts: non-coding transcript variant (8).
Genome position (GRCh38, 1-based): chrX:30,708,057, G>A. VCF-style: chrX-30708057-G-A. GRCh37 (hg19) VCF-style: chrX-30726174-G-A.
Other names: c.880G>A, p.Val294Ile (NM_000167.6, NM_001128127.3); c.964G>A, p.Val322Ile (NM_001399987.1); c.898G>A, p.Val300Ile (NM_203391.4); short protein forms V294I, V300I, V322I.
Identifiers: ClinVar variation 2673221 (VCV002673221.23), dbSNP rs1245487918, ClinGen allele CA412640644.

ClinVar aggregate classification (germline): Uncertain significance (1 of 4 stars; one submission).

Submission:

CeGaT Center for Human Genetics Tuebingen
Classification: Uncertain significance. Last evaluated: 2023-12-01. Review status: criteria provided, single submitter. Criteria: CeGaT Center For Human Genetics Tuebingen Variant Classification Criteria Version 2. Collection method: clinical testing. Allele origin: germline. Affected: yes. Observed: 1 variant allele.
Comment: GK: PM2, PP2